The following is an entry in ClinVar:

NM_001267550.2(TTN):c.101622C>T (p.Asn33874=)

Genes: TTN (titin; minus strand), TTN-AS1 (TTN antisense RNA 1; plus strand). Cytogenetic location: 2q31.2.
Variant type: single nucleotide variant.
Coding change: c.101622C>T on transcript NM_001267550.2 (MANE Select); coding-DNA position 101622, C replaced by T.
Protein change: p.Asn33874=; no amino-acid change (asparagine 33874 retained).
Molecular consequence: synonymous variant.
Genome position (GRCh38, 1-based): chr2:178,534,993, G>A on the plus strand (C>T on the coding strand, the complement: TTN is on the minus strand). VCF-style: chr2-178534993-G-A. GRCh37 (hg19) VCF-style: chr2-179399720-G-A.
Other names: c.101622C>T (NM_001267550.1); c.96699C>T, p.Asn32233= (NM_001256850.1); c.74427C>T, p.Asn24809= (NM_003319.4); c.93918C>T, p.Asn31306= (NM_133378.4); c.74802C>T, p.Asn24934= (NM_133432.3); c.75003C>T, p.Asn25001= (NM_133437.4).
Identifiers: ClinVar variation 1571205 (VCV001571205.15), dbSNP rs780835388, ClinGen allele CA1985860.

ClinVar aggregate classification (germline): Conflicting classifications of pathogenicity. Review status: criteria provided, conflicting classifications (1 of 4 stars). 5 submissions from 5 submitters: Uncertain significance (1); Likely benign (4). Last evaluated 2025-12-13.

Conditions:
Cardiovascular phenotype. Identifiers: MedGen CN230736.
Dilated cardiomyopathy 1G (CMD1G). Identifiers: Orphanet 154, MedGen C1858763, MONDO:0011400, OMIM 604145.
Autosomal recessive limb-girdle muscular dystrophy type 2J (LGMDR10). Also called: Limb-girdle muscular dystrophy, type 2J; MUSCULAR DYSTROPHY, LIMB-GIRDLE, AUTOSOMAL RECESSIVE 10. Identifiers: Orphanet 140922, MedGen C1837342, MONDO:0012127, OMIM 608807.

Allele frequency attached by ClinVar (database versions not stated): TOPMed 0.00001; ExAC 0.00002; gnomAD exomes 0.00002.
gnomAD v4.1: 24 of 1,613,720 alleles (0.0015%); highest among the groups gnomAD compares: Non-Finnish European, 0.0019%; no homozygotes.

Submissions (5):

Labcorp Genetics (formerly Invitae), Labcorp
Classification: Likely benign for Dilated cardiomyopathy 1G; Autosomal recessive limb-girdle muscular dystrophy type 2J. Last evaluated: 2025-12-13. Review status: criteria provided, single submitter. Criteria: Invitae Variant Classification Sherloc (09022015). Collection method: clinical testing. Allele origin: germline.

Athena Diagnostics
Classification: Likely benign. Last evaluated: 2025-01-21. Review status: criteria provided, single submitter. Criteria: Athena Diagnostics Criteria. Collection method: clinical testing. Allele origin: unknown.
Comment: Computational tools yielded predictions that this variant is unlikely to have an effect on normal RNA splicing. This nucleotide position exhibits low evolutionary conservation.

Blueprint Genetics
Classification: Likely benign. Last evaluated: 2024-01-02. Review status: criteria provided, single submitter. Criteria: ACMG Guidelines, 2015. Collection method: clinical testing. Allele origin: germline.

Revvity Omics, Revvity
Classification: Uncertain significance. Last evaluated: 2019-09-20. Review status: criteria provided, single submitter. Criteria: ACMG Guidelines, 2015. Collection method: clinical testing. Allele origin: germline.

Ambry Genetics
Classification: Likely benign for Cardiovascular phenotype. Last evaluated: 2018-01-06. Review status: criteria provided, single submitter. Criteria: Ambry Variant Classification Scheme 2023. Collection method: clinical testing. Allele origin: germline.